The following is an entry in ClinVar:

NM_016333.4(SRRM2):c.4661A>G (p.Gln1554Arg)

Gene: SRRM2 (serine/arginine repetitive matrix 2; plus strand). Cytogenetic location: 16p13.3.
Variant type: single nucleotide variant.
Coding change: c.4661A>G on transcript NM_016333.4 (MANE Select); coding-DNA position 4661, A replaced by G.
Protein change: p.Gln1554Arg; replaces glutamine 1554 with arginine.
Molecular consequence: missense variant.
Genome position (GRCh38, 1-based): chr16:2,765,189, A>G. VCF-style: chr16-2765189-A-G. GRCh37 (hg19) VCF-style: chr16-2815190-A-G.
Other names: short protein forms Q1554R.
Identifiers: ClinVar variation 3778228 (VCV003778228.7).
Genomic context (GRCh38, chr16:2,765,189, plus strand): 5'-GGCAGAGAAGTCGTTCGGGATCCTCTCAAGAACTTGATGTGAAACCCAGTGCATCCCCTC[A>G]GGAAAGAAGTGAGTCAGACTCTTCTCCAGATTCTAAAGCCAAGACAAGAACCCCACTTCG-3'
Protein context (NP_057417.3, residues 1544-1564): ELDVKPSASP[Gln1554Arg]ERSESDSSPD

ClinVar aggregate classification (germline): Likely benign (1 of 4 stars; one submission).

gnomAD v4.1: 1 of 1,614,212 alleles (0.000062%); highest among the groups gnomAD compares: African/African-American, 0.0013%; no homozygotes.

Submission:

CeGaT Center for Human Genetics Tuebingen
Classification: Likely benign. Last evaluated: 2025-03-01. Review status: criteria provided, single submitter. Criteria: CeGaT Center For Human Genetics Tuebingen Variant Classification Criteria Version 2. Collection method: clinical testing. Allele origin: germline. Affected: yes. Observed: 1 variant allele.
Comment: SRRM2: BP4